The following is an entry in ClinVar:

NM_018486.3(HDAC8):c.1081C>T (p.Arg361Ter)

Gene: HDAC8 (histone deacetylase 8; minus strand). Cytogenetic location: Xq13.1.
Variant type: single nucleotide variant.
Coding change: c.1081C>T on transcript NM_018486.3 (MANE Select); coding-DNA position 1081, C replaced by T.
Protein change: p.Arg361Ter; replaces arginine 361 with a stop codon.
Molecular consequence: nonsense. On other transcripts: non-coding transcript variant (1).
Genome position (GRCh38, 1-based): chrX:72,351,763, G>A on the plus strand (C>T on the coding strand, the complement: HDAC8 is on the minus strand). VCF-style: chrX-72351763-G-A. GRCh37 (hg19) VCF-style: chrX-71571613-G-A.
Other names: NM_018486.3(HDAC8):c.1081C>T; p.Arg361Ter; c.808C>T, p.Arg270Ter (NM_001166418.2); short protein forms R361*, R270*.
Identifiers: ClinVar variation 433191 (VCV000433191.8), dbSNP rs1555948969, ClinGen allele CA413638398.
Genomic context (GRCh38, chrX:72,351,763, plus strand): 5'-GGAGGGCAGGCCTCGAGGGGCGGTGCTCACCTTTGATGTAGTTGAGGATTTGTTGGATTC[G>A]GTGGGGCTCATTGCGGTCTGGCCGGCAGCTTGGCGTGATTTCCAGCACATAATCAGGACC-3'

ClinVar aggregate classification (germline): Conflicting classifications of pathogenicity. Review status: criteria provided, conflicting classifications (1 of 4 stars). 5 submissions from 5 submitters: Pathogenic (1); Likely pathogenic (2); Uncertain significance (1). 1 of the submissions does not count toward it. Last evaluated 2026-03-02.

Conditions:
Cornelia de Lange syndrome 5 (CDLS5). Also called: HDAC8-Related Cornelia de Lange Syndrome. Identifiers: Orphanet 199, MedGen C3550903, MONDO:0010471, OMIM 300882.

Submissions (5):

Broad Center for Mendelian Genomics, Broad Institute of MIT and Harvard
Classification: Uncertain significance for Cornelia de Lange syndrome 5. Last evaluated: 2026-03-02. Review status: criteria provided, single submitter. Criteria: ACMG Guidelines, 2015. Collection method: research. Allele origin: germline. Inheritance: Autosomal dominant inheritance.
Comment: Trio exome analysis showed this variant to be de novo. The p.Arg361Ter variant in HDAC8 has been reported in 2 individuals with Cornelia de Lange syndrome-5 (PMID: 31157197, 33767182), and was absent from large population studies. This variant has also been reported in ClinVar (Variation ID: 433191) and has been interpreted as pathogenic by Génétique des Maladies du Développement (Hospices Civils de Lyon) and Institute of Human Genetics (University of Goettingen). This variant is assumed de novo in 2 individuals, but maternity and paternity have not been confirmed (PMID: 31157197, 33767182). This nonsense variant leads to a premature termination codon at position 361. This alteration occurs within the terminal 50 bases of the second to last exon and is more likely to escape nonsense mediated decay (NMD) and result in a truncated protein. Heterozygous loss of function of the HDAC8 gene is an established disease mechanism in Cornelia de Lange syndrome-5. In summary, while there is some suspicion for a pathogenic role, the clinical significance of this variant is uncertain. ACMG/AMP Criteria applied: PS2_moderate, PVS1_moderate, PM2_supporting (Richards 2015).

Dasa
Classification: Likely pathogenic. Last evaluated: 2025-11-08. Review status: criteria provided, single submitter. Criteria: DASA Assertion Criteria. Collection method: clinical testing. Allele origin: germline.
Comment: NM_018486.3(HDAC8):c.1081C>T (p.Arg361*) is a nonsense variant in HDAC8 predicted to introduce a premature termination codon and is predicted to result in an absent or altered protein product. Loss of function is an established disease mechanism for HDAC8 (PMID: 22885700; PMID: 24403048; PMID: 26671848). This variant has been reported as a de novo occurrence in an affected individual (PMID: 31157197). Published studies describe this variant in association with related phenotype (PMID: 31157197). Also, this variant is absent from population databases. Based on the currently available evidence, this variant is classified as likely pathogenic.

GeneDx
Classification: Likely pathogenic. Last evaluated: 2025-07-22. Review status: criteria provided, single submitter. Criteria: GeneDx Variant Classification Process June 2021. Collection method: clinical testing. Allele origin: germline. Affected: yes.
Comment: Nonsense variant predicted to result in protein truncation as the last 17 amino acid(s) are lost; Not observed at significant frequency in large population cohorts (gnomAD); This variant is associated with the following publications: (PMID: 31157197, 33767182)

Cytogénomique, Hospices Civils de Lyon
Classification: Pathogenic for Cornelia de Lange syndrome 5. Review status: criteria provided, single submitter. Criteria: ACMG Guidelines, 2015. Collection method: clinical testing. Allele origin: de novo. Inheritance: Autosomal dominant inheritance. Affected: yes.

Institute of Human Genetics, University of Goettingen
Classification: Likely pathogenic for Cornelia de Lange syndrome 5. Last evaluated: 2017-08-17. Review status: no assertion criteria provided. Collection method: clinical testing. Allele origin: germline. Affected: yes. Observed: 1 variant allele, 1 heterozygote. Not counted in ClinVar's aggregate classification.
Comment: Cornelia de Lange syndrome

Literature cited by the submitters: PubMed 31157197 (cited by Dasa); PubMed 22885700 (cited by Dasa); PubMed 24403048 (cited by Dasa); PubMed 26671848 (cited by Dasa).